The following is an entry in ClinVar:

ClinVar aggregate classification (germline): Uncertain significance. Review status: criteria provided, multiple submitters, no conflicts (2 of 4 stars). 4 submissions from 4 submitters: Uncertain significance (3). 1 of the submissions does not count toward it. Last evaluated 2025-01-06.

Conditions:
TTC8-related disorder. Also called: TTC8-related condition.
Retinal dystrophy. Also called: Inherited retinal dystrophy. Identifiers: Orphanet 71862, MedGen C0854723, MeSH D058499, MONDO:0019118, HP:0000556.
Bardet-Biedl syndrome (BBS). Identifiers: Orphanet 110, MedGen C0752166, MONDO:0015229.

Allele frequency attached by ClinVar (database versions not stated): gnomAD 0.00001; TOPMed 0.00001; ExAC 0.00002; gnomAD exomes 0.00002.
gnomAD v4.1: 33 of 1,612,482 alleles (0.002%); highest among the groups gnomAD compares: Middle Eastern, 0.099%; no homozygotes.

Submissions (4):

Labcorp Genetics (formerly Invitae), Labcorp
Classification: Uncertain significance for Bardet-Biedl syndrome. Last evaluated: 2025-01-06. Review status: criteria provided, single submitter. Criteria: Invitae Variant Classification Sherloc (09022015). Collection method: clinical testing. Allele origin: germline.
Comment: This sequence change replaces arginine, which is basic and polar, with cysteine, which is neutral and slightly polar, at codon 79 of the TTC8 protein (p.Arg79Cys). This variant is present in population databases (rs747646200, gnomAD 0.007%). This variant has not been reported in the literature in individuals affected with TTC8-related conditions. ClinVar contains an entry for this variant (Variation ID: 1402234). An algorithm developed to predict the effect of missense changes on protein structure and function (PolyPhen-2) suggests that this variant is likely to be disruptive. In summary, the available evidence is currently insufficient to determine the role of this variant in disease. Therefore, it has been classified as a Variant of Uncertain Significance.

Dept Of Ophthalmology, Nagoya University
Classification: Uncertain significance for Retinal dystrophy. Last evaluated: 2023-10-01. Review status: criteria provided, single submitter. Criteria: Submitter's publication. Collection method: research. Allele origin: germline. Affected: yes.

Blueprint Genetics
Classification: Uncertain significance. Last evaluated: 2022-09-08. Review status: criteria provided, single submitter. Criteria: ACMG Guidelines, 2015. Collection method: clinical testing. Allele origin: germline.

PreventionGenetics, part of Exact Sciences
Classification: Uncertain significance for TTC8-related condition. Last evaluated: 2024-08-20. Review status: no assertion criteria provided. Collection method: clinical testing. Allele origin: germline. Not counted in ClinVar's aggregate classification.
Comment: The TTC8 c.265C>T variant is predicted to result in the amino acid substitution p.Arg89Cys. To our knowledge, this variant has not been reported in the literature. This variant is reported in 0.0040% of alleles in individuals of African descent in gnomAD. At this time, the clinical significance of this variant is uncertain due to the absence of conclusive functional and genetic evidence.

NM_144596.4(TTC8):c.265C>T (p.Arg89Cys)

Gene: TTC8 (tetratricopeptide repeat domain 8; plus strand). Cytogenetic location: 14q31.3.
Variant type: single nucleotide variant.
Coding change: c.265C>T on transcript NM_144596.4 (MANE Select); coding-DNA position 265, C replaced by T.
Protein change: p.Arg89Cys; replaces arginine 89 with cysteine.
Molecular consequence: missense variant. On other transcripts: 5 prime UTR variant (2), non-coding transcript variant (1).
Genome position (GRCh38, 1-based): chr14:88,839,572, C>T. VCF-style: chr14-88839572-C-T. GRCh37 (hg19) VCF-style: chr14-89305916-C-T.
Other names: c.235C>T, p.Arg79Cys (NM_001288781.1, NM_001366535.2, NM_001366536.2 and 2 more transcripts); c.-328C>T (NM_001288782.1); c.-423C>T (NM_001288783.1); c.265C>T (NM_144596.3); short protein forms R89C, R79C.
Identifiers: ClinVar variation 1402234 (VCV001402234.7), dbSNP rs747646200, ClinGen allele CA7302397.
Genomic context (GRCh38, chr14:88,839,572, plus strand): 5'-GTAGATCAGGAAGGAATTGCAGAAATGATGCTGGATGAAAATGCTATAGCTCAAGTTCCA[C>T]GTAAGTATTGGGTTTTCAGTTAAGTTAATGAAATACCATTAAGAGGAAGAATACTGTGTA-3'
Protein context (NP_653197.2, residues 79-99): LDENAIAQVP[Arg89Cys]PGTSLKLPGT